The following is an entry in ClinVar:

ClinVar aggregate classification (germline): Uncertain significance (0 of 4 stars; one submission).

Conditions:
DYRK1B-related disorder. Also called: DYRK1B-related condition.

gnomAD v4.1: 4 of 1,522,838 alleles (0.00026%); highest among the groups gnomAD compares: Non-Finnish European, 0.00035%; no homozygotes.

Submission:

PreventionGenetics, part of Exact Sciences
Classification: Uncertain significance for DYRK1B-related condition. Last evaluated: 2024-09-04. Review status: no assertion criteria provided. Collection method: clinical testing. Allele origin: germline.
Comment: The DYRK1B c.1583C>A variant is predicted to result in the amino acid substitution p.Ala528Asp. To our knowledge, this variant has not been reported in the literature. This variant is reported in 0.0020% of alleles in individuals of European (Non-Finnish) descent in gnomAD. At this time, the clinical significance of this variant is uncertain due to the absence of conclusive functional and genetic evidence.

NM_004714.3(DYRK1B):c.1583C>A (p.Ala528Asp)

Gene: DYRK1B (dual specificity tyrosine phosphorylation regulated kinase 1B; minus strand). Cytogenetic location: 19q13.2.
Variant type: single nucleotide variant.
Coding change: c.1583C>A on transcript NM_004714.3 (MANE Select); coding-DNA position 1583, C replaced by A.
Protein change: p.Ala528Asp; replaces alanine 528 with aspartic acid.
Molecular consequence: missense variant.
Genome position (GRCh38, 1-based): chr19:39,826,022, G>T on the plus strand (C>A on the coding strand, the complement: DYRK1B is on the minus strand). VCF-style: chr19-39826022-G-T. GRCh37 (hg19) VCF-style: chr19-40316662-G-T.
Other names: c.1463C>A, p.Ala488Asp (NM_006483.3); c.1499C>A, p.Ala500Asp (NM_006484.3); short protein forms A488D, A500D, A528D.
Identifiers: ClinVar variation 3353762 (VCV003353762.1).